The following is an entry in ClinVar:

NM_001352514.2(HLCS):c.*259T>C

Gene: HLCS (holocarboxylase synthetase; minus strand). Cytogenetic location: 21q22.13.
Variant type: single nucleotide variant.
Coding change: c.*259T>C on transcript NM_001352514.2 (MANE Select); 259 bases downstream of the stop codon, T replaced by C.
Molecular consequence: 3 prime UTR variant. On other transcripts: non-coding transcript variant (2).
Genome position (GRCh38, 1-based): chr21:36,753,987, A>G on the plus strand (T>C on the coding strand, the complement: HLCS is on the minus strand). VCF-style: chr21-36753987-A-G. GRCh37 (hg19) VCF-style: chr21-38126288-A-G.
Other names: c.*259T>C (NM_000411.8, NM_001242784.3, NM_001242785.2 and 4 more transcripts).
Identifiers: ClinVar variation 339956 (VCV000339956.8), dbSNP rs73398122, ClinGen allele CA10650479.
Genomic context (GRCh38, chr21:36,753,987, plus strand): 5'-ATTTTCCCATTGTCATTTCCATGTAAAAACTCCCCTTGACAATAAACGTAAGTCCAAGCC[A>G]CAGAGGGGAGAGCAATTTCCCACCTGTGGGAGGGCTTTCCCTAAACTAAATTTTCTACTT-3'

ClinVar aggregate classification (germline): Benign. Review status: criteria provided, multiple submitters, no conflicts (2 of 4 stars). 3 submissions from 3 submitters: Benign (3). Last evaluated 2018-07-05.

Conditions:
Holocarboxylase synthetase deficiency. Also called: MULTIPLE CARBOXYLASE DEFICIENCY, EARLY ONSET. Identifiers: Orphanet 79242, MedGen C0268581, MONDO:0009666, OMIM 253270.

Allele frequency attached by ClinVar (database versions not stated): gnomAD exomes 0.00787; gnomAD 0.06207 and 0.06633; TOPMed 0.06968; 1000 Genomes Project 0.07488; 1000 Genomes Project 30x 0.08089.
gnomAD v4.1: 12,810 of 553,118 alleles (2.3%); highest among the groups gnomAD compares: African/African-American, 21%; 1,238 homozygotes.

Submissions (3):

GeneDx
Classification: Benign. Last evaluated: 2018-07-05. Review status: criteria provided, single submitter. Criteria: GeneDx Variant Classification Process June 2021. Collection method: clinical testing. Allele origin: germline. Affected: yes.

Illumina Laboratory Services, Illumina
Classification: Benign for Holocarboxylase synthetase deficiency. Last evaluated: 2018-01-13. Review status: criteria provided, single submitter. Criteria: ICSL Variant Classification Criteria 13 December 2019. Collection method: clinical testing. Allele origin: germline.
Comment: This variant was observed in the ICSL laboratory as part of a predisposition screen in an ostensibly healthy population. It had not been previously curated by ICSL or reported in the Human Gene Mutation Database (HGMD: prior to June 1st, 2018), and was therefore a candidate for classification through an automated scoring system. Utilizing variant allele frequency, disease prevalence and penetrance estimates, and inheritance mode, an automated score was calculated to assess if this variant is too frequent to cause the disease. Based on the score and internal cut-off values, a variant classified as benign is not then subjected to further curation. The score for this variant resulted in a classification of benign for this disease.

Breakthrough Genomics
Classification: Benign. Review status: criteria provided, single submitter. Criteria: ACMG Guidelines, 2015. Collection method: not provided. Allele origin: germline. Inheritance: Autosomal recessive inheritance. Affected: yes.